The following is an entry in ClinVar:

NM_000211.5(ITGB2):c.2149A>G (p.Ile717Val)

Gene: ITGB2 (integrin subunit beta 2; minus strand). Cytogenetic location: 21q22.3.
Variant type: single nucleotide variant.
Coding change: c.2149A>G on transcript NM_000211.5 (MANE Select); coding-DNA position 2149, A replaced by G.
Protein change: p.Ile717Val; replaces isoleucine 717 with valine.
Molecular consequence: missense variant.
Genome position (GRCh38, 1-based): chr21:44,886,834, T>C on the plus strand (A>G on the coding strand, the complement: ITGB2 is on the minus strand). VCF-style: chr21-44886834-T-C. GRCh37 (hg19) VCF-style: chr21-46306749-T-C.
Other names: c.2149A>G, p.Ile717Val (NM_001127491.3); c.1942A>G, p.Ile648Val (NM_001303238.2); c.2149A>G (NM_000211.3); short protein forms I648V, I717V.
Identifiers: ClinVar variation 955031 (VCV000955031.9), dbSNP rs753452987, ClinGen allele CA10062537.

ClinVar aggregate classification (germline): Conflicting classifications of pathogenicity. Review status: criteria provided, conflicting classifications (1 of 4 stars). 2 submissions from 2 submitters: Uncertain significance (1); Likely benign (1). Last evaluated 2024-03-25.

Conditions:
Inborn genetic diseases. Identifiers: MedGen C0950123, MeSH D030342.
Leukocyte adhesion deficiency 1 (LAD1). Also called: LEUKOCYTE ADHESION DEFICIENCY, TYPE I; LAD 1; Lymphocyte function-associated antigen 1 immunodeficiency; LFA 1 immunodeficiency. Identifiers: Orphanet 2968, Orphanet 99842, MedGen C0398738, MONDO:0007293, OMIM 116920.

Allele frequency attached by ClinVar (database versions not stated): gnomAD 0.00005 and 0.00006; TOPMed 0.00005.
gnomAD v4.1: 11 of 1,613,616 alleles (0.00068%); highest among the groups gnomAD compares: African/African-American, 0.013%; no homozygotes.

Submissions (2):

Ambry Genetics
Classification: Likely benign for Inborn genetic diseases. Last evaluated: 2024-03-25. Review status: criteria provided, single submitter. Criteria: Ambry Variant Classification Scheme 2023. Collection method: clinical testing. Allele origin: germline.

Labcorp Genetics (formerly Invitae), Labcorp
Classification: Uncertain significance for Leukocyte adhesion deficiency 1. Last evaluated: 2023-10-18. Review status: criteria provided, single submitter. Criteria: Invitae Variant Classification Sherloc (09022015). Collection method: clinical testing. Allele origin: germline.
Comment: This sequence change replaces isoleucine, which is neutral and non-polar, with valine, which is neutral and non-polar, at codon 717 of the ITGB2 protein (p.Ile717Val). This variant is present in population databases (rs753452987, gnomAD 0.01%). This variant has not been reported in the literature in individuals affected with ITGB2-related conditions. ClinVar contains an entry for this variant (Variation ID: 955031). Advanced modeling of protein sequence and biophysical properties (such as structural, functional, and spatial information, amino acid conservation, physicochemical variation, residue mobility, and thermodynamic stability) performed at Invitae indicates that this missense variant is not expected to disrupt ITGB2 protein function. In summary, the available evidence is currently insufficient to determine the role of this variant in disease. Therefore, it has been classified as a Variant of Uncertain Significance.